The following is an entry in ClinVar:

ClinVar aggregate classification (germline): Likely benign (1 of 4 stars; one submission).

gnomAD v4.1: 2,064 of 1,589,588 alleles (0.13%); highest among the groups gnomAD compares: African/African-American, 2.3%; 25 homozygotes.

Submissions (4):

Mayo Clinic Laboratories, Mayo Clinic
Classification: Likely benign. Last evaluated: 2025-04-21. Review status: criteria provided, single submitter. Criteria: ACMG Guidelines, 2015. Collection method: clinical testing. Allele origin: germline. Observed: 9 variant alleles.
Comment: BS1, BS2, BP7

Dr. Peter K. Rogan Lab, Western University
No classification provided (evidence only). Condition: Familial cancer of breast. Review status: no classification provided. Collection method: in vitro. Allele origin: not applicable. Functional consequence: retained intron. Not counted in ClinVar's aggregate classification.

Dr. Peter K. Rogan Lab, Western University
No classification provided (evidence only). Condition: Cervical cancer. Review status: no classification provided. Collection method: in vitro. Allele origin: not applicable. Functional consequence: retained intron. Not counted in ClinVar's aggregate classification.

Dr. Peter K. Rogan Lab, Western University
No classification provided (evidence only). Condition: Sarcoma. Review status: no classification provided. Collection method: in vitro. Allele origin: not applicable. Functional consequence: retained intron. Not counted in ClinVar's aggregate classification.

NM_000285.4(PEPD):c.1152+21C>T

Gene: PEPD (peptidase D; minus strand). Cytogenetic location: 19q13.11.
Variant type: single nucleotide variant.
Coding change: c.1152+21C>T on transcript NM_000285.4 (MANE Select); 21 bases into the intron after coding-DNA position 1152, C replaced by T.
Molecular consequence: intron variant.
Genome position (GRCh38, 1-based): chr19:33,391,274, G>A on the plus strand (C>T on the coding strand, the complement: PEPD is on the minus strand). VCF-style: chr19-33391274-G-A. GRCh37 (hg19) VCF-style: chr19-33882180-G-A.
Other names: NC_000019.9:g.33882180G>A; p.?; c.960+21C>T (NM_001166057.2); c.1029+21C>T (NM_001166056.2).
Identifiers: ClinVar variation 4438063 (VCV004438063.2).